The following is an entry in ClinVar:

NM_001447.3(FAT2):c.3403C>A (p.Pro1135Thr)

Gene: FAT2 (FAT atypical cadherin 2; minus strand). Cytogenetic location: 5q33.1.
Variant type: single nucleotide variant.
Coding change: c.3403C>A on transcript NM_001447.3 (MANE Select); coding-DNA position 3403, C replaced by A.
Protein change: p.Pro1135Thr; replaces proline 1135 with threonine.
Molecular consequence: missense variant.
Genome position (GRCh38, 1-based): chr5:151,563,496, G>T on the plus strand (C>A on the coding strand, the complement: FAT2 is on the minus strand). VCF-style: chr5-151563496-G-T. GRCh37 (hg19) VCF-style: chr5-150943057-G-T.
Other names: short protein forms P1135T.
Identifiers: ClinVar variation 2992585 (VCV002992585.3), dbSNP rs755283867, ClinGen allele CA3521841.

ClinVar aggregate classification (germline): Uncertain significance (1 of 4 stars; one submission).

Allele frequency attached by ClinVar (database versions not stated): gnomAD 0.00003; ExAC 0.00004; TOPMed 0.00006.
gnomAD v4.1: 33 of 1,614,074 alleles (0.002%); highest among the groups gnomAD compares: African/African-American, 0.008%; no homozygotes.

Submission:

Labcorp Genetics (formerly Invitae), Labcorp
Classification: Uncertain significance. Last evaluated: 2023-06-29. Review status: criteria provided, single submitter. Criteria: Invitae Variant Classification Sherloc (09022015). Collection method: clinical testing. Allele origin: germline.
Comment: This sequence change replaces proline, which is neutral and non-polar, with threonine, which is neutral and polar, at codon 1135 of the FAT2 protein (p.Pro1135Thr). This variant is present in population databases (rs755283867, gnomAD 0.02%). This variant has not been reported in the literature in individuals affected with FAT2-related conditions. Advanced modeling of protein sequence and biophysical properties (such as structural, functional, and spatial information, amino acid conservation, physicochemical variation, residue mobility, and thermodynamic stability) performed at Invitae indicates that this missense variant is not expected to disrupt FAT2 protein function. In summary, the available evidence is currently insufficient to determine the role of this variant in disease. Therefore, it has been classified as a Variant of Uncertain Significance.